The following is an entry in ClinVar:

NM_001170629.2(CHD8):c.4973A>T (p.Glu1658Val)

Gene: CHD8 (chromodomain helicase DNA binding protein 8; minus strand). Cytogenetic location: 14q11.2.
Variant type: single nucleotide variant.
Coding change: c.4973A>T on transcript NM_001170629.2 (MANE Select); coding-DNA position 4973, A replaced by T.
Protein change: p.Glu1658Val; replaces glutamic acid 1658 with valine.
Molecular consequence: missense variant.
Genome position (GRCh38, 1-based): chr14:21,397,901, T>A on the plus strand (A>T on the coding strand, the complement: CHD8 is on the minus strand). VCF-style: chr14-21397901-T-A. GRCh37 (hg19) VCF-style: chr14-21866060-T-A.
Other names: c.4136A>T, p.Glu1379Val (NM_020920.4); short protein forms E1379V, E1658V.
Identifiers: ClinVar variation 3373049 (VCV003373049.1).

ClinVar aggregate classification (germline): Uncertain significance (1 of 4 stars; one submission).

Submission:

GeneDx
Classification: Uncertain significance. Last evaluated: 2024-04-29. Review status: criteria provided, single submitter. Criteria: GeneDx Variant Classification Process June 2021. Collection method: clinical testing. Allele origin: germline. Affected: yes.
Comment: Not observed at significant frequency in large population cohorts (gnomAD); In silico analysis supports that this missense variant has a deleterious effect on protein structure/function; Has not been previously published as pathogenic or benign to our knowledge